The following is an entry in ClinVar:

NM_006035.4(CDC42BPB):c.1141-1G>A

Gene: CDC42BPB (CDC42 binding protein kinase beta; minus strand). Cytogenetic location: 14q32.32.
Variant type: single nucleotide variant.
Coding change: c.1141-1G>A on transcript NM_006035.4 (MANE Select); the canonical splice acceptor site of the intron before coding-DNA position 1141, G replaced by A.
Molecular consequence: splice acceptor variant.
Genome position (GRCh38, 1-based): chr14:102,978,206, C>T on the plus strand (G>A on the coding strand, the complement: CDC42BPB is on the minus strand). VCF-style: chr14-102978206-C-T. GRCh37 (hg19) VCF-style: chr14-103444543-C-T.
Other names: c.1141-1G>A (NM_001411054.1).
Identifiers: ClinVar variation 4854767 (VCV004854767.1).

ClinVar aggregate classification (germline): Likely pathogenic (1 of 4 stars; one submission).

Conditions:
Chilton-Okur-Chung neurodevelopmental syndrome (CHOCNS). Identifiers: MedGen C5677022, MONDO:0859239, OMIM 619841.

Submission:

3billion
Classification: Likely pathogenic for Chilton-Okur-Chung neurodevelopmental syndrome. Last evaluated: 2025-12-15. Review status: criteria provided, single submitter. Criteria: ACMG Guidelines, 2015. Collection method: clinical testing. Allele origin: germline. Affected: yes.
Comment: The variant is not observed in the gnomAD v4.1.0 dataset. Predicted Consequence/Location: Canonical splice site: predicted to alter splicing and result in a loss or disruption of normal protein function. Multiple pathogenic loss-of-function variants are reported downstream of the variant. In silico tools predict the variant to alter splicing and produce an abnormal transcript [SpliceAI: 0.83 (spliceogenicity >=0.2, non-spliceogenicity <0.1)]. Therefore, this variant is classified as Likely pathogenic according to the recommendation of ACMG/AMP guideline.